The following is an entry in ClinVar:

NM_001018115.3(FANCD2):c.3014A>G (p.Gln1005Arg)

Gene: FANCD2 (FA complementation group D2; plus strand). Cytogenetic location: 3p25.3.
Variant type: single nucleotide variant.
Coding change: c.3014A>G on transcript NM_001018115.3 (MANE Select); coding-DNA position 3014, A replaced by G.
Protein change: p.Gln1005Arg; replaces glutamine 1005 with arginine.
Molecular consequence: missense variant.
Genome position (GRCh38, 1-based): chr3:10,081,137, A>G. VCF-style: chr3-10081137-A-G. GRCh37 (hg19) VCF-style: chr3-10122821-A-G.
Other names: c.3014A>G, p.Gln1005Arg (NM_001319984.2, NM_001374254.1, NM_033084.6); c.2903A>G, p.Gln968Arg (NM_001374253.1); short protein forms Q968R, Q1005R.
Identifiers: ClinVar variation 1497099 (VCV001497099.3), dbSNP rs964376104, ClinGen allele CA70026041.

ClinVar aggregate classification (germline): Uncertain significance (1 of 4 stars; one submission).

Conditions:
Fanconi anemia (FA). Also called: Fanconi's anemia. Identifiers: Orphanet 84, MedGen C0015625, MeSH D005199, MONDO:0019391.

Allele frequency attached by ClinVar (database versions not stated): gnomAD exomes below 0.00001; gnomAD 0.00001; TOPMed 0.00001.
gnomAD v4.1: 4 of 1,614,006 alleles (0.00025%); highest among the groups gnomAD compares: South Asian, 0.0011%; no homozygotes.

Submission:

Labcorp Genetics (formerly Invitae), Labcorp
Classification: Uncertain significance for Fanconi anemia. Last evaluated: 2022-07-06. Review status: criteria provided, single submitter. Criteria: Invitae Variant Classification Sherloc (09022015). Collection method: clinical testing. Allele origin: germline.
Comment: This sequence change replaces glutamine, which is neutral and polar, with arginine, which is basic and polar, at codon 1005 of the FANCD2 protein (p.Gln1005Arg). This variant is present in population databases (no rsID available, gnomAD 0.003%). This variant has not been reported in the literature in individuals affected with FANCD2-related conditions. ClinVar contains an entry for this variant (Variation ID: 1497099). Algorithms developed to predict the effect of missense changes on protein structure and function output the following: SIFT: "Tolerated"; PolyPhen-2: "Benign"; Align-GVGD: "Class C0". The arginine amino acid residue is found in multiple mammalian species, which suggests that this missense change does not adversely affect protein function. In summary, the available evidence is currently insufficient to determine the role of this variant in disease. Therefore, it has been classified as a Variant of Uncertain Significance.